The following is an entry in ClinVar:

ClinVar aggregate classification (germline): Uncertain significance (1 of 4 stars; one submission).

Allele frequency attached by ClinVar (database versions not stated): gnomAD exomes below 0.00001.
gnomAD v4.1: 3 of 1,612,324 alleles (0.00019%); highest among the groups gnomAD compares: East Asian, 0.0022%; no homozygotes.

Submission:

Labcorp Genetics (formerly Invitae), Labcorp
Classification: Uncertain significance. Last evaluated: 2025-12-08. Review status: criteria provided, single submitter. Criteria: Invitae Variant Classification Sherloc (09022015). Collection method: clinical testing. Allele origin: germline.
Comment: This sequence change replaces leucine, which is neutral and non-polar, with phenylalanine, which is neutral and non-polar, at codon 375 of the FBN3 protein (p.Leu375Phe). This variant is not present in population databases (gnomAD no frequency). This variant has not been reported in the literature in individuals affected with FBN3-related conditions. ClinVar contains an entry for this variant (Variation ID: 2806602). An algorithm developed to predict the effect of missense changes on protein structure and function outputs the following: PolyPhen-2: "Benign". The phenylalanine amino acid residue is found in multiple mammalian species, which suggests that this missense change does not adversely affect protein function. In summary, the available evidence is currently insufficient to determine the role of this variant in disease. Therefore, it has been classified as a Variant of Uncertain Significance.

NM_032447.5(FBN3):c.1123C>T (p.Leu375Phe)

Gene: FBN3 (fibrillin 3; minus strand). Cytogenetic location: 19p13.2.
Variant type: single nucleotide variant.
Coding change: c.1123C>T on transcript NM_032447.5 (MANE Select); coding-DNA position 1123, C replaced by T.
Protein change: p.Leu375Phe; replaces leucine 375 with phenylalanine.
Molecular consequence: missense variant.
Genome position (GRCh38, 1-based): chr19:8,138,219, G>A on the plus strand (C>T on the coding strand, the complement: FBN3 is on the minus strand). VCF-style: chr19-8138219-G-A. GRCh37 (hg19) VCF-style: chr19-8203103-G-A.
Other names: c.1123C>T, p.Leu375Phe (NM_001321431.2); short protein forms L375F.
Identifiers: ClinVar variation 2806602 (VCV002806602.3), dbSNP rs1330878649, ClinGen allele CA403713160.